The following is an entry in ClinVar:

ClinVar aggregate classification (germline): Uncertain significance (1 of 4 stars; one submission).

gnomAD v4.1: 3 of 1,614,124 alleles (0.00019%); highest among the groups gnomAD compares: Non-Finnish European, 0.00025%; no homozygotes.

Submission:

CeGaT Center for Human Genetics Tuebingen
Classification: Uncertain significance. Last evaluated: 2026-02-01. Review status: criteria provided, single submitter. Criteria: CeGaT Center For Human Genetics Tuebingen Variant Classification Criteria Version 2. Collection method: clinical testing. Allele origin: germline. Affected: yes. Observed: 1 variant allele.
Comment: MITF: PM2, BP4

NM_001354604.2(MITF):c.613G>T (p.Ala205Ser)

Gene: MITF (melanocyte inducing transcription factor; plus strand). Cytogenetic location: 3p13.
Variant type: single nucleotide variant.
Coding change: c.613G>T on transcript NM_001354604.2 (MANE Select); coding-DNA position 613, G replaced by T.
Protein change: p.Ala205Ser; replaces alanine 205 with serine.
Molecular consequence: missense variant.
Genome position (GRCh38, 1-based): chr3:69,939,128, G>T. VCF-style: chr3-69939128-G-T. GRCh37 (hg19) VCF-style: chr3-69988279-G-T.
Other names: c.292G>T, p.Ala98Ser (NM_000248.4, NM_198158.3); c.457G>T, p.Ala153Ser (NM_001184967.2, NM_001354608.2); c.610G>T, p.Ala204Ser (NM_001354605.2, NM_001354606.2, NM_006722.3); c.562G>T, p.Ala188Ser (NM_001354607.2); c.613G>T, p.Ala205Ser (NM_198159.3); c.565G>T, p.Ala189Ser (NM_198177.3); c.124G>T, p.Ala42Ser (NM_198178.3); short protein forms A153S, A188S, A189S, A204S, A205S, A42S, A98S.
Identifiers: ClinVar variation 4823373 (VCV004823373.4).
Genomic context (GRCh38, chr3:69,939,128, plus strand): 5'-TATAGACTGTTTTTGCTTGTGTTTTTGCAGGGATTTTATAAGTTTGAAGAGCAAAACAGG[G>T]CAGAGAGCGAGTGCCCAGGCATGAACACACATTCACGAGCGTCCTGTATGCAGGTACTGA-3'
Protein context (NP_001341533.1, residues 195-215): GFYKFEEQNR[Ala205Ser]ESECPGMNTH